The following is an entry in ClinVar:

ClinVar aggregate classification (germline): Pathogenic (1 of 4 stars; one submission).

Conditions:
Epilepsy, familial focal, with variable foci 3 (FFEVF3). Identifiers: MedGen C4310708, MONDO:0014925, OMIM 617118.

Allele frequency attached by ClinVar (database versions not stated): gnomAD exomes below 0.00001.

Submission:

Labcorp Genetics (formerly Invitae), Labcorp
Classification: Pathogenic for Epilepsy, familial focal, with variable foci 3. Last evaluated: 2022-06-04. Review status: criteria provided, single submitter. Criteria: Invitae Variant Classification Sherloc (09022015). Collection method: clinical testing. Allele origin: germline.
Comment: This variant has not been reported in the literature in individuals affected with NPRL3-related conditions. ClinVar contains an entry for this variant (Variation ID: 1072659). For these reasons, this variant has been classified as Pathogenic. This sequence change creates a premature translational stop signal (p.Gln392*) in the NPRL3 gene. It is expected to result in an absent or disrupted protein product. Loss-of-function variants in NPRL3 are known to be pathogenic (PMID: 26285051, 26505888). This variant is not present in population databases (gnomAD no frequency).

Literature cited by the submitters: PubMed 26285051; PubMed 26505888.

NM_001077350.3(NPRL3):c.1174C>T (p.Gln392Ter)

Genes: HBA-LCR (alpha-globin locus control region; plus strand), NPRL3 (NPR3 like, GATOR1 complex subunit; minus strand). Cytogenetic location: 16p13.3.
Variant type: single nucleotide variant.
Coding change: c.1174C>T on transcript NM_001077350.3 (MANE Select); coding-DNA position 1174, C replaced by T.
Protein change: p.Gln392Ter; replaces glutamine 392 with a stop codon.
Molecular consequence: nonsense.
Genome position (GRCh38, 1-based): chr16:89,890, G>A on the plus strand (C>T on the coding strand, the complement: NPRL3 is on the minus strand). VCF-style: chr16-89890-G-A. GRCh37 (hg19) VCF-style: chr16-139888-G-A.
Other names: c.637C>T, p.Gln213Ter (NM_001039476.3); c.940C>T, p.Gln314Ter (NM_001243247.2); c.1099C>T, p.Gln367Ter (NM_001243248.2, NM_001243249.2); short protein forms Q213*, Q314*, Q367*, Q392*.
Identifiers: ClinVar variation 1072659 (VCV001072659.7), dbSNP rs2141902592, ClinGen allele CA394051454.